The following is an entry in ClinVar:

NM_014244.5(ADAMTS2):c.92_93delinsTGTTGAAGGA (p.Pro31fs)

Gene: ADAMTS2 (ADAM metallopeptidase with thrombospondin type 1 motif 2; minus strand). Cytogenetic location: 5q35.3.
Variant type: Indel.
Coding change: c.92_93delinsTGTTGAAGGA on transcript NM_014244.5 (MANE Select); coding-DNA positions 92 to 93, CG replaced by TGTTGAAGGA.
Protein change: p.Pro31fs; shifts the reading frame from proline 31.
Molecular consequence: frameshift variant.
Genome position (GRCh38, 1-based): chr5:179,345,236-179,345,237, CG replaced by TCCTTCAACA on the plus strand (CG replaced by TGTTGAAGGA on the coding strand, the reverse complement: ADAMTS2 is on the minus strand). VCF-style: chr5-179345236-CG-TCCTTCAACA. GRCh37 (hg19) VCF-style: chr5-178772237-CG-TCCTTCAACA.
Other names: c.92_93delinsTGTTGAAGGA, p.Pro31fs (NM_021599.4); short protein forms P31fs.
Identifiers: ClinVar variation 5010432 (VCV005010432.1).

ClinVar aggregate classification (germline): Pathogenic (1 of 4 stars; one submission).

Conditions:
Ehlers-Danlos syndrome, dermatosparaxis type. Also called: EDS VIIC; Dermatosparaxis; Ehlers-Danlos syndrome, type VII, autosomal recessive. Identifiers: Orphanet 1901, MedGen C2700425, MONDO:0009161, OMIM 225410.

Submission:

Myriad Genetics, Inc.
Classification: Pathogenic for Ehlers-Danlos syndrome, dermatosparaxis type. Last evaluated: 2024-05-14. Review status: criteria provided, single submitter. Criteria: Myriad Autosomal Dominant, Autosomal Recessive and X-Linked Classification Criteria (2023). Collection method: clinical testing. Allele origin: unknown.
Comment: NM_014244.4(ADAMTS2):c.92_93del2ins10(P31Lfs*137) is expected to be pathogenic in the context of Ehlers-Danlos syndrome, ADAMTS2-related. This variant is predicted to lead to an abnormal or absent protein product due to the creation of a premature termination codon in ADAMTS2, a gene where loss-of-function variants are known to be pathogenic. Please note: this variant was assessed in the context of healthy population screening.